The following is an entry in ClinVar:

NM_001291415.2(KDM6A):c.4351G>A (p.Ala1451Thr)

Gene: KDM6A (lysine demethylase 6A; plus strand). Cytogenetic location: Xp11.3.
Variant type: single nucleotide variant.
Coding change: c.4351G>A on transcript NM_001291415.2 (MANE Select); coding-DNA position 4351, G replaced by A.
Protein change: p.Ala1451Thr; replaces alanine 1451 with threonine.
Molecular consequence: missense variant. On other transcripts: non-coding transcript variant (1).
Genome position (GRCh38, 1-based): chrX:45,111,400, G>A. VCF-style: chrX-45111400-G-A. GRCh37 (hg19) VCF-style: chrX-44970645-G-A.
Other names: c.4216G>A, p.Ala1406Thr (NM_001291416.2); c.4060G>A, p.Ala1354Thr (NM_001291417.2); c.3958G>A, p.Ala1320Thr (NM_001291418.2); c.3307G>A, p.Ala1103Thr (NM_001291421.2); c.4093G>A, p.Ala1365Thr (NM_001410742.1); c.4195G>A, p.Ala1399Thr (NM_021140.4); short protein forms A1103T, A1320T, A1354T, A1365T, A1399T, A1406T, A1451T.
Identifiers: ClinVar variation 2428943 (VCV002428943.3), dbSNP rs2046764359, ClinGen allele CA412777941.
Genomic context (GRCh38, chrX:45,111,400, plus strand): 5'-CAATTTGTATATCAAAATAACCTACCTTACTTTTATTTTCAGGCTCCTCCATTACCATCC[G>A]CCTCATCTTGATATTGTTCCATGGACATTAAATGAGACCTTTTCTGCTATTCAGGAAATA-3'
Protein context (NP_001278344.1, residues 1441-1453): QFTLAPPLPS[Ala1451Thr]SS

ClinVar aggregate classification (germline): Uncertain significance (1 of 4 stars; one submission).

Allele frequency attached by ClinVar (database versions not stated): gnomAD 0.00001; gnomAD exomes 0.00001; TOPMed 0.00001.
gnomAD v4.1: 10 of 1,197,111 alleles (0.00084%); highest among the groups gnomAD compares: Non-Finnish European, 0.0011%; no homozygotes.

Submission:

GeneDx
Classification: Uncertain significance. Last evaluated: 2022-08-03. Review status: criteria provided, single submitter. Criteria: GeneDx Variant Classification Process June 2021. Collection method: clinical testing. Allele origin: germline. Affected: yes.
Comment: Reported in an individual with developmental delay and microcephaly who harbored an additional KDM6A variant in unknown phase (Yap et al., 2020); Not observed at significant frequency in large population cohorts (gnomAD); In silico analysis supports that this missense variant does not alter protein structure/function; This variant is associated with the following publications: (PMID: 31935506)